The following is an entry in ClinVar:

NM_080473.5(GATA5):c.13C>G (p.Leu5Val)

Gene: GATA5 (GATA binding protein 5; minus strand). Cytogenetic location: 20q13.33.
Variant type: single nucleotide variant.
Coding change: c.13C>G on transcript NM_080473.5 (MANE Select); coding-DNA position 13, C replaced by G.
Protein change: p.Leu5Val; replaces leucine 5 with valine.
Molecular consequence: missense variant.
Genome position (GRCh38, 1-based): chr20:62,475,509, G>C on the plus strand (C>G on the coding strand, the complement: GATA5 is on the minus strand). VCF-style: chr20-62475509-G-C. GRCh37 (hg19) VCF-style: chr20-61050565-G-C.
Other names: short protein forms L5V.
Identifiers: ClinVar variation 2555005 (VCV002555005.5), dbSNP rs1324253640, ClinGen allele CA409558117.
Genomic context (GRCh38, chr20:62,475,509, plus strand): 5'-CGTGCAGGAAGGAGCCCGAGTCGGCGTAGGCGGCCTGGCGGGGGCTCGCGGCCAGCGCCA[G>C]GCTCTGGTACATCCTCCCAGGCGTGGTCTTGACCTGCAGGGAAGAGGGACAGGTGTGGAG-3'
Protein context (NP_536721.1, residues 1-15): MYQS[Leu5Val]ALAASPRQAA

ClinVar aggregate classification (germline): Uncertain significance. Review status: criteria provided, multiple submitters, no conflicts (2 of 4 stars). 2 submissions from 2 submitters: Uncertain significance (2). Last evaluated 2023-07-29.

Allele frequency attached by ClinVar (database versions not stated): TOPMed below 0.00001.
gnomAD v4.1: 1 of 1,322,362 alleles (0.000076%); highest among the groups gnomAD compares: Non-Finnish European, 0.000096%; no homozygotes.

Submissions (2):

Labcorp Genetics (formerly Invitae), Labcorp
Classification: Uncertain significance. Last evaluated: 2023-07-29. Review status: criteria provided, single submitter. Criteria: Invitae Variant Classification Sherloc (09022015). Collection method: clinical testing. Allele origin: germline.
Comment: This sequence change replaces leucine, which is neutral and non-polar, with valine, which is neutral and non-polar, at codon 5 of the GATA5 protein (p.Leu5Val). This variant is not present in population databases (gnomAD no frequency). This variant has not been reported in the literature in individuals affected with GATA5-related conditions. ClinVar contains an entry for this variant (Variation ID: 2555005). An algorithm developed to predict the effect of missense changes on protein structure and function (PolyPhen-2) suggests that this variant is likely to be disruptive. In summary, the available evidence is currently insufficient to determine the role of this variant in disease. Therefore, it has been classified as a Variant of Uncertain Significance.

Ambry Genetics
Classification: Uncertain significance. Last evaluated: 2023-06-01. Review status: criteria provided, single submitter. Criteria: Ambry Variant Classification Scheme 2023. Collection method: clinical testing. Allele origin: germline.